The following is an entry in ClinVar:

NM_000059.4(BRCA2):c.9920A>C (p.Lys3307Thr)

Gene: BRCA2 (BRCA2 DNA repair associated; plus strand). Cytogenetic location: 13q13.1.
Variant type: single nucleotide variant.
Coding change: c.9920A>C on transcript NM_000059.4 (MANE Select); coding-DNA position 9920, A replaced by C.
Protein change: p.Lys3307Thr; replaces lysine 3307 with threonine.
Molecular consequence: missense variant.
Genome position (GRCh38, 1-based): chr13:32,398,433, A>C. VCF-style: chr13-32398433-A-C. GRCh37 (hg19) VCF-style: chr13-32972570-A-C.
Other names: short protein forms K3307T.
Identifiers: ClinVar variation 252414 (VCV000252414.9), dbSNP rs879255304, ClinGen allele CA10585904.

ClinVar aggregate classification (germline): Uncertain significance. Review status: criteria provided, multiple submitters, no conflicts (2 of 4 stars). 3 submissions from 3 submitters: Uncertain significance (3). Last evaluated 2025-12-10.

Conditions:
Hereditary cancer-predisposing syndrome. Also called: Hereditary neoplastic syndrome; Neoplastic Syndromes, Hereditary; Tumor predisposition; Hereditary Cancer Syndrome. Identifiers: Orphanet 140162, MedGen C0027672, MeSH D009386, MONDO:0015356.
Hereditary breast ovarian cancer syndrome. Also called: Hereditary breast and ovarian cancer syndrome (HBOC); Hereditary breast and ovarian cancer; Hereditary breast and ovarian cancer syndrome; Breast and ovarian cancer; Hereditary breast and/or ovarian cancer syndrome; BRCA1- and BRCA2-Associated Hereditary Breast and Ovarian Cancer. Identifiers: Orphanet 145, MedGen C0677776, MeSH D061325, MONDO:0003582. Disease mechanism: loss of function.

Submissions (3):

Ambry Genetics
Classification: Uncertain significance for Hereditary cancer-predisposing syndrome. Last evaluated: 2025-12-10. Review status: criteria provided, single submitter. Criteria: Ambry Variant Classification Scheme 2023. Collection method: clinical testing. Allele origin: germline.
Comment: The p.K3307T variant (also known as c.9920A>C), located in coding exon 26 of the BRCA2 gene, results from an A to C substitution at nucleotide position 9920. The lysine at codon 3307 is replaced by threonine, an amino acid with similar properties. This amino acid position is conserved. In addition, this alteration is predicted to be tolerated by in silico analysis. Based on the available evidence, the clinical significance of this variant remains unclear.

Labcorp Genetics (formerly Invitae), Labcorp
Classification: Uncertain significance for Hereditary breast ovarian cancer syndrome. Last evaluated: 2024-04-08. Review status: criteria provided, single submitter. Criteria: Invitae Variant Classification Sherloc (09022015). Collection method: clinical testing. Allele origin: germline.
Comment: This sequence change replaces lysine, which is basic and polar, with threonine, which is neutral and polar, at codon 3307 of the BRCA2 protein (p.Lys3307Thr). This variant is not present in population databases (gnomAD no frequency). This variant has not been reported in the literature in individuals affected with BRCA2-related conditions. ClinVar contains an entry for this variant (Variation ID: 252414). Advanced modeling of protein sequence and biophysical properties (such as structural, functional, and spatial information, amino acid conservation, physicochemical variation, residue mobility, and thermodynamic stability) performed at Invitae indicates that this missense variant is not expected to disrupt BRCA2 protein function with a negative predictive value of 95%. In summary, the available evidence is currently insufficient to determine the role of this variant in disease. Therefore, it has been classified as a Variant of Uncertain Significance.

Quest Diagnostics Nichols Institute San Juan Capistrano
Classification: Uncertain significance. Last evaluated: 2021-03-26. Review status: criteria provided, single submitter. Criteria: Quest Diagnostics criteria. Collection method: clinical testing. Allele origin: unknown.

Literature cited by the submitters: PubMed 26295337 (cited by Quest Diagnostics Nichols Institute San Juan Capistrano).